The following is an entry in ClinVar:

ClinVar aggregate classification (germline): Uncertain significance. Review status: criteria provided, single submitter (1 of 4 stars). 2 submissions from 2 submitters: Uncertain significance (1). 1 of the submissions does not count toward it. Last evaluated 2022-07-09.

Conditions:
Neuromuscular disease caused by qualitative or quantitative defects of dysferlin. Also called: Qualitative or quantitative defects of dysferlin; Dysferlinopathy. Identifiers: Orphanet 207073, MedGen C2931687, MONDO:0016145.
Autosomal recessive limb-girdle muscular dystrophy type 2B (LGMDR2). Also called: Limb-girdle muscular dystrophy, type 2B; MUSCULAR DYSTROPHY, LIMB-GIRDLE, AUTOSOMAL RECESSIVE 2; MUSCULAR DYSTROPHY, LIMB-GIRDLE, TYPE 3; Limb-Girdle Muscular Dystrophy Type 2B (LGMD2B). Identifiers: Orphanet 268, MedGen C1850889, MONDO:0009676, OMIM 253601.

Allele frequency attached by ClinVar (database versions not stated): gnomAD exomes below 0.00001; TOPMed below 0.00001.
gnomAD v4.1: 4 of 1,613,240 alleles (0.00025%); highest among the groups gnomAD compares: Admixed American, 0.005%; no homozygotes.

Submissions (2):

Labcorp Genetics (formerly Invitae), Labcorp
Classification: Uncertain significance for Neuromuscular disease caused by qualitative or quantitative defects of dysferlin. Last evaluated: 2022-07-09. Review status: criteria provided, single submitter. Criteria: Invitae Variant Classification Sherloc (09022015). Collection method: clinical testing. Allele origin: germline.
Comment: This sequence change affects codon 1301 of the DYSF mRNA. It is a 'silent' change, meaning that it does not change the encoded amino acid sequence of the DYSF protein. This variant also falls at the last nucleotide of exon 36, which is part of the consensus splice site for this exon. This variant is not present in population databases (gnomAD no frequency). This variant has not been reported in the literature in individuals affected with DYSF-related conditions. ClinVar contains an entry for this variant (Variation ID: 957816). Variants that disrupt the consensus splice site are a relatively common cause of aberrant splicing (PMID: 17576681, 9536098). Algorithms developed to predict the effect of sequence changes on RNA splicing suggest that this variant may disrupt the consensus splice site. In summary, the available evidence is currently insufficient to determine the role of this variant in disease. Therefore, it has been classified as a Variant of Uncertain Significance.

Natera, Inc.
Classification: Uncertain significance for Limb-girdle muscular dystrophy type 2B. Last evaluated: 2020-01-17. Review status: no assertion criteria provided. Collection method: clinical testing. Allele origin: germline. Not counted in ClinVar's aggregate classification.

Literature cited by the submitters: PubMed 17576681 (cited by Labcorp Genetics (formerly Invitae), Labcorp); PubMed 9536098 (cited by Labcorp Genetics (formerly Invitae), Labcorp).

NM_001130987.2(DYSF):c.3957G>A (p.Glu1319=)

Genes: DYSF (dysferlin; plus strand), LOC122787137 (CDK7 strongly-dependent group 2 enhancer GRCh37_chr2:71829831-71831030; plus strand). Cytogenetic location: 2p13.2.
Variant type: single nucleotide variant.
Coding change: c.3957G>A on transcript NM_001130987.2 (MANE Select); coding-DNA position 3957, G replaced by A.
Protein change: p.Glu1319=; no amino-acid change (glutamic acid 1319 retained).
Molecular consequence: synonymous variant.
Genome position (GRCh38, 1-based): chr2:71,602,805, G>A. VCF-style: chr2-71602805-G-A. GRCh37 (hg19) VCF-style: chr2-71829935-G-A.
Other names: c.3906G>A, p.Glu1302= (NM_001130455.2, NM_001130983.2); c.3861G>A, p.Glu1287= (NM_001130976.2, NM_001130977.2); c.3903G>A, p.Glu1301= (NM_001130978.2, NM_003494.4); c.3996G>A, p.Glu1332= (NM_001130979.2); c.3954G>A, p.Glu1318= (NM_001130980.2, NM_001130981.2); c.3999G>A, p.Glu1333= (NM_001130982.2); c.3864G>A, p.Glu1288= (NM_001130984.2, NM_001130986.2); c.3957G>A, p.Glu1319= (NM_001130985.2).
Identifiers: ClinVar variation 957816 (VCV000957816.6), dbSNP rs781449138, ClinGen allele CA1706806.